The following is an entry in ClinVar:

NM_000548.5(TSC2):c.5201A>T (p.Asp1734Val)

Gene: TSC2 (TSC complex subunit 2; plus strand). Cytogenetic location: 16p13.3.
Variant type: single nucleotide variant.
Coding change: c.5201A>T on transcript NM_000548.5 (MANE Select); coding-DNA position 5201, A replaced by T.
Protein change: p.Asp1734Val; replaces aspartic acid 1734 with valine.
Molecular consequence: missense variant.
Genome position (GRCh38, 1-based): chr16:2,088,267, A>T. VCF-style: chr16-2088267-A-T. GRCh37 (hg19) VCF-style: chr16-2138268-A-T.
Other names: c.5000A>T, p.Asp1667Val (NM_001077183.3); c.5132A>T, p.Asp1711Val (NM_001114382.3); c.4892A>T, p.Asp1631Val (NM_001318827.2); c.4856A>T, p.Asp1619Val (NM_001318829.2); c.4469A>T, p.Asp1490Val (NM_001318831.2); c.5033A>T, p.Asp1678Val (NM_001318832.2); c.5003A>T, p.Asp1668Val (NM_001363528.2); c.5069A>T, p.Asp1690Val (NM_001370404.1); and 2 more; short protein forms D1734V, D1668V, D1678V, D1711V, D1490V, D1631V, D1667V, D1691V.
Identifiers: ClinVar variation 238077 (VCV000238077.14), dbSNP rs878854117, ClinGen allele CA10583344.

ClinVar aggregate classification (germline): Uncertain significance. Review status: criteria provided, multiple submitters, no conflicts (2 of 4 stars). 4 submissions from 4 submitters: Uncertain significance (4). Last evaluated 2025-12-08.

Conditions:
Hereditary cancer-predisposing syndrome. Also called: Tumor predisposition; Hereditary Cancer Syndrome; Hereditary neoplastic syndrome; Neoplastic Syndromes, Hereditary. Identifiers: Orphanet 140162, MedGen C0027672, MeSH D009386, MONDO:0015356.
Isolated focal cortical dysplasia type II (FCORD2). Also called: Focal cortical dysplasia type II; CORTICAL DYSPLASIA OF TAYLOR. Identifiers: Orphanet 268994, MedGen C1846385, MONDO:0011818, OMIM 607341, HP:0032051.
Tuberous sclerosis 2 (TSC2). Identifiers: Orphanet 805, MedGen C1860707, MONDO:0013199, OMIM 613254.

gnomAD v4.1: 3 of 1,613,104 alleles (0.00019%); highest among the groups gnomAD compares: Non-Finnish European, 0.000085%; no homozygotes.

Submissions (4):

Ambry Genetics
Classification: Uncertain significance for Hereditary cancer-predisposing syndrome. Last evaluated: 2025-12-08. Review status: criteria provided, single submitter. Criteria: Ambry Variant Classification Scheme 2023. Collection method: clinical testing. Allele origin: germline.
Comment: The p.D1734V variant (also known as c.5201A>T), located in coding exon 40 of the TSC2 gene, results from an A to T substitution at nucleotide position 5201. The aspartic acid at codon 1734 is replaced by valine, an amino acid with highly dissimilar properties. This amino acid position is highly conserved in available vertebrate species. In addition, this alteration is predicted to be deleterious by in silico analysis. Based on the available evidence, the clinical significance of this variant remains unclear.

Labcorp Genetics (formerly Invitae), Labcorp
Classification: Uncertain significance for Tuberous sclerosis 2. Last evaluated: 2025-07-15. Review status: criteria provided, single submitter. Criteria: Invitae Variant Classification Sherloc (09022015). Collection method: clinical testing. Allele origin: germline.
Comment: This sequence change replaces aspartic acid, which is acidic and polar, with valine, which is neutral and non-polar, at codon 1734 of the TSC2 protein (p.Asp1734Val). This variant is not present in population databases (gnomAD no frequency). This variant has not been reported in the literature in individuals affected with TSC2-related conditions. ClinVar contains an entry for this variant (Variation ID: 238077). Invitae Evidence Modeling of protein sequence and biophysical properties (such as structural, functional, and spatial information, amino acid conservation, physicochemical variation, residue mobility, and thermodynamic stability) has been performed for this missense variant. However, the output from this modeling did not meet the statistical confidence thresholds required to predict the impact of this variant on TSC2 protein function. In summary, the available evidence is currently insufficient to determine the role of this variant in disease. Therefore, it has been classified as a Variant of Uncertain Significance.

Baylor Genetics
Classification: Uncertain significance for Isolated focal cortical dysplasia type II. Last evaluated: 2023-06-09. Review status: criteria provided, single submitter. Criteria: ACMG Guidelines, 2015. Collection method: clinical testing. Allele origin: unknown.

GeneDx
Classification: Uncertain significance. Last evaluated: 2022-10-18. Review status: criteria provided, single submitter. Criteria: GeneDx Variant Classification Process June 2021. Collection method: clinical testing. Allele origin: germline. Affected: yes.
Comment: Not observed at significant frequency in large population cohorts (gnomAD); In silico analysis supports that this missense variant has a deleterious effect on protein structure/function; Has not been previously published as pathogenic or benign to our knowledge